The following is an entry in ClinVar:

ClinVar aggregate classification (germline): Uncertain significance (1 of 4 stars; one submission).

gnomAD v4.1: 3 of 1,604,284 alleles (0.00019%); highest among the groups gnomAD compares: South Asian, 0.0034%; no homozygotes.

Submission:

Labcorp Genetics (formerly Invitae), Labcorp
Classification: Uncertain significance. Last evaluated: 2023-12-07. Review status: criteria provided, single submitter. Criteria: Invitae Variant Classification Sherloc (09022015). Collection method: clinical testing. Allele origin: germline.
Comment: This sequence change replaces valine, which is neutral and non-polar, with leucine, which is neutral and non-polar, at codon 384 of the MPDZ protein (p.Val384Leu). This variant is present in population databases (no rsID available, gnomAD 0.004%). This variant has not been reported in the literature in individuals affected with MPDZ-related conditions. ClinVar contains an entry for this variant (Variation ID: 2002067). An algorithm developed to predict the effect of missense changes on protein structure and function (PolyPhen-2) suggests that this variant is likely to be tolerated. In summary, the available evidence is currently insufficient to determine the role of this variant in disease. Therefore, it has been classified as a Variant of Uncertain Significance.

NM_001378778.1(MPDZ):c.1150G>C (p.Val384Leu)

Gene: MPDZ (multiple PDZ domain crumbs cell polarity complex component; minus strand). Cytogenetic location: 9p23.
Variant type: single nucleotide variant.
Coding change: c.1150G>C on transcript NM_001378778.1 (MANE Select); coding-DNA position 1150, G replaced by C.
Protein change: p.Val384Leu; replaces valine 384 with leucine.
Molecular consequence: missense variant.
Genome position (GRCh38, 1-based): chr9:13,217,231, C>G on the plus strand (G>C on the coding strand, the complement: MPDZ is on the minus strand). VCF-style: chr9-13217231-C-G. GRCh37 (hg19) VCF-style: chr9-13217230-C-G.
Other names: c.1150G>C, p.Val384Leu (NM_001261406.2, NM_001261407.2, NM_001330637.2 and 14 more transcripts); short protein forms V384L.
Identifiers: ClinVar variation 2002067 (VCV002002067.4), dbSNP rs1448715244, ClinGen allele CA372944828.